The following is an entry in ClinVar:

ClinVar aggregate classification (germline): Uncertain significance (1 of 4 stars; one submission).

Conditions:
Inborn genetic diseases. Identifiers: MedGen C0950123, MeSH D030342.

Submission:

Ambry Genetics
Classification: Uncertain significance for Inborn genetic diseases. Last evaluated: 2026-08-11. Review status: criteria provided, single submitter. Criteria: Ambry Variant Classification Scheme 2023. Collection method: clinical testing. Allele origin: germline.
Comment: The p.T1097S variant (also known as c.3290C>G), located in coding exon 15 of the MECOM gene, results from a C to G substitution at nucleotide position 3290. The threonine at codon 1097 is replaced by serine, an amino acid with similar properties. This amino acid position is conserved. In addition, this alteration is predicted to be tolerated by in silico analysis. Based on the available evidence, the clinical significance of this variant remains unclear.

NM_004991.4(MECOM):c.3290C>G (p.Thr1097Ser)

Gene: MECOM (MDS1 and EVI1 complex locus; minus strand). Cytogenetic location: 3q26.2.
Variant type: single nucleotide variant.
Coding change: c.3290C>G on transcript NM_004991.4 (MANE Select); coding-DNA position 3290, C replaced by G.
Protein change: p.Thr1097Ser; replaces threonine 1097 with serine.
Molecular consequence: missense variant.
Genome position (GRCh38, 1-based): chr3:169,090,111, G>C on the plus strand (C>G on the coding strand, the complement: MECOM is on the minus strand). VCF-style: chr3-169090111-G-C. GRCh37 (hg19) VCF-style: chr3-168807899-G-C.
Other names: c.2921C>G, p.Thr974Ser (NM_001105077.4); c.2726C>G, p.Thr909Ser (NM_001105078.4, NM_001205194.2, NM_001366469.2 and 1 more transcripts); c.2702C>G, p.Thr901Ser (NM_001163999.2, NM_001366470.2); c.2699C>G, p.Thr900Ser (NM_001164000.2, NM_001366471.2, NM_001366472.2); c.3263C>G, p.Thr1088Ser (NM_001366466.2); c.2729C>G, p.Thr910Ser (NM_001366467.2, NM_001366468.2); c.2291C>G, p.Thr764Ser (NM_001366473.2); c.1727C>G, p.Thr576Ser (NM_001366474.2); short protein forms T1088S, T764S, T901S, T576S, T1097S, T909S, T910S, T974S.
Identifiers: ClinVar variation 5024180 (VCV005024180.1).